The following is an entry in ClinVar:

ClinVar aggregate classification (germline): Uncertain significance (1 of 4 stars; one submission).

Submission:

Labcorp Genetics (formerly Invitae), Labcorp
Classification: Uncertain significance. Last evaluated: 2021-04-25. Review status: criteria provided, single submitter. Criteria: Invitae Variant Classification Sherloc (09022015). Collection method: clinical testing. Allele origin: germline.
Comment: Algorithms developed to predict the effect of missense changes on protein structure and function (SIFT, PolyPhen-2, Align-GVGD) all suggest that this variant is likely to be tolerated, but these predictions have not been confirmed by published functional studies and their clinical significance is uncertain. This sequence change replaces methionine with valine at codon 276 of the PPP2CA protein (p.Met276Val). The methionine residue is highly conserved and there is a small physicochemical difference between methionine and valine. This variant is not present in population databases (ExAC no frequency). This variant has not been reported in the literature in individuals with PPP2CA-related conditions. In summary, the available evidence is currently insufficient to determine the role of this variant in disease. Therefore, it has been classified as a Variant of Uncertain Significance.

NM_002715.4(PPP2CA):c.826A>G (p.Met276Val)

Gene: PPP2CA (protein phosphatase 2 catalytic subunit alpha; minus strand). Cytogenetic location: 5q31.1.
Variant type: single nucleotide variant.
Coding change: c.826A>G on transcript NM_002715.4 (MANE Select); coding-DNA position 826, A replaced by G.
Protein change: p.Met276Val; replaces methionine 276 with valine.
Molecular consequence: missense variant. On other transcripts: non-coding transcript variant (1).
Genome position (GRCh38, 1-based): chr5:134,199,117, T>C on the plus strand (A>G on the coding strand, the complement: PPP2CA is on the minus strand). VCF-style: chr5-134199117-T-C. GRCh37 (hg19) VCF-style: chr5-133534808-T-C.
Other names: c.631A>G, p.Met211Val (NM_001355019.2); short protein forms M211V, M276V.
Identifiers: ClinVar variation 1348957 (VCV001348957.8), dbSNP rs2149382652, ClinGen allele CA360997924.